The following is an entry in ClinVar:

ClinVar aggregate classification (germline): Uncertain significance (1 of 4 stars; one submission).

Conditions:
DYRK1A-related intellectual disability syndrome (MRD7). Also called: Intellectual developmental disorder, autosomal dominant 7; DYRK1A Syndrome. Identifiers: Orphanet 464306, MedGen C5568143, MONDO:0013578, OMIM 614104.

Allele frequency attached by ClinVar (database versions not stated): gnomAD exomes below 0.00001 and 0.00001; TOPMed below 0.00001; ExAC 0.00001.
gnomAD v4.1: 17 of 1,613,976 alleles (0.0011%); highest among the groups gnomAD compares: Non-Finnish European, 0.0014%; no homozygotes.

Submission:

Labcorp Genetics (formerly Invitae), Labcorp
Classification: Uncertain significance for DYRK1A-related intellectual disability syndrome. Last evaluated: 2025-12-15. Review status: criteria provided, single submitter. Criteria: Invitae Variant Classification Sherloc (09022015). Collection method: clinical testing. Allele origin: germline.
Comment: This sequence change replaces alanine, which is neutral and non-polar, with glycine, which is neutral and non-polar, at codon 391 of the DYRK1A protein (p.Ala391Gly). This variant is present in population databases (rs747860415, gnomAD 0.0009%). This variant has not been reported in the literature in individuals affected with DYRK1A-related conditions. ClinVar contains an entry for this variant (Variation ID: 1386653). Invitae Evidence Modeling of protein sequence and biophysical properties (such as structural, functional, and spatial information, amino acid conservation, physicochemical variation, residue mobility, and thermodynamic stability) indicates that this missense variant is not expected to disrupt DYRK1A protein function with a negative predictive value of 80%. In summary, the available evidence is currently insufficient to determine the role of this variant in disease. Therefore, it has been classified as a Variant of Uncertain Significance.

NM_001347721.2(DYRK1A):c.1145C>G (p.Ala382Gly)

Gene: DYRK1A (dual specificity tyrosine phosphorylation regulated kinase 1A; plus strand). Cytogenetic location: 21q22.13.
Variant type: single nucleotide variant.
Coding change: c.1145C>G on transcript NM_001347721.2 (MANE Select); coding-DNA position 1145, C replaced by G.
Protein change: p.Ala382Gly; replaces alanine 382 with glycine.
Molecular consequence: missense variant.
Genome position (GRCh38, 1-based): chr21:37,496,191, C>G. VCF-style: chr21-37496191-C-G. GRCh37 (hg19) VCF-style: chr21-38868493-C-G.
Other names: c.1145C>G, p.Ala382Gly (NM_001347722.2, NM_130436.2); c.1058C>G, p.Ala353Gly (NM_001347723.2); c.1172C>G, p.Ala391Gly (NM_001396.5, NM_101395.2, NM_130438.2); short protein forms A391G, A382G, A353G.
Identifiers: ClinVar variation 1386653 (VCV001386653.6), dbSNP rs747860415, ClinGen allele CA10023929.